The following is an entry in ClinVar:

NM_001039591.3(USP9X):c.7532A>G (p.Asn2511Ser)

Gene: USP9X (ubiquitin specific peptidase 9 X-linked; plus strand). Cytogenetic location: Xp11.4.
Variant type: single nucleotide variant.
Coding change: c.7532A>G on transcript NM_001039591.3 (MANE Select); coding-DNA position 7532, A replaced by G.
Protein change: p.Asn2511Ser; replaces asparagine 2511 with serine.
Molecular consequence: missense variant.
Genome position (GRCh38, 1-based): chrX:41,232,391, A>G. VCF-style: chrX-41232391-A-G. GRCh37 (hg19) VCF-style: chrX-41091644-A-G.
Other names: NC_000023.10:g.41091644A>G; c.7580A>G, p.Asn2527Ser (NM_001039590.3); c.7595A>G, p.Asn2532Ser (NM_001410748.1); c.7547A>G, p.Asn2516Ser (NM_001410749.1); short protein forms N2511S, N2516S, N2527S, N2532S.
Identifiers: ClinVar variation 3365610 (VCV003365610.2).
Genomic context (GRCh38, chrX:41,232,391, plus strand): 5'-GAAGTTGTTTTACTATGTGAAAAGTTTTAACATACAGATCTTTTCTCCTTTCCCAGAATA[A>G]CCATGTGCATGGACAGCCATATACAGGCCCAGCAGCACATCACATGAACAACCCTCAGAG-3'
Protein context (NP_001034680.2, residues 2501-2521): HSPGSQYQQN[Asn2511Ser]HVHGQPYTGP

ClinVar aggregate classification (germline): Uncertain significance (1 of 4 stars; one submission).

Submissions (3):

GeneDx
Classification: Uncertain significance. Last evaluated: 2023-12-15. Review status: criteria provided, single submitter. Criteria: GeneDx Variant Classification Process June 2021. Collection method: clinical testing. Allele origin: germline. Affected: yes.
Comment: Not observed at significant frequency in large population cohorts (gnomAD); In silico analysis supports a deleterious effect on splicing; In silico analysis supports that this missense variant does not alter protein structure/function; Has not been previously published as pathogenic or benign to our knowledge

Dr. Peter K. Rogan Lab, Western University
No classification provided (evidence only). Condition: Nonpapillary renal cell carcinoma. Review status: no classification provided. Collection method: in vitro. Allele origin: not applicable. Functional consequence: retained intron. Not counted in ClinVar's aggregate classification.

Dr. Peter K. Rogan Lab, Western University
No classification provided (evidence only). Condition: Nonpapillary renal cell carcinoma. Review status: no classification provided. Collection method: in vitro. Allele origin: not applicable. Functional consequence: retained intron. Not counted in ClinVar's aggregate classification.